The following is an entry in ClinVar:

NM_001170629.2(CHD8):c.2760T>G (p.Phe920Leu)

Gene: CHD8 (chromodomain helicase DNA binding protein 8; minus strand). Cytogenetic location: 14q11.2.
Variant type: single nucleotide variant.
Coding change: c.2760T>G on transcript NM_001170629.2 (MANE Select); coding-DNA position 2760, T replaced by G.
Protein change: p.Phe920Leu; replaces phenylalanine 920 with leucine.
Molecular consequence: missense variant.
Genome position (GRCh38, 1-based): chr14:21,407,003, A>C on the plus strand (T>G on the coding strand, the complement: CHD8 is on the minus strand). VCF-style: chr14-21407003-A-C. GRCh37 (hg19) VCF-style: chr14-21875162-A-C.
Other names: c.1923T>G, p.Phe641Leu (NM_020920.4); short protein forms F641L, F920L.
Identifiers: ClinVar variation 3144208 (VCV003144208.1), dbSNP rs2501917916, ClinGen allele CA388874254.

ClinVar aggregate classification (germline): Uncertain significance (1 of 4 stars; one submission).

Conditions:
Inborn genetic diseases. Identifiers: MedGen C0950123, MeSH D030342.

Submission:

Ambry Genetics
Classification: Uncertain significance for Inborn genetic diseases. Last evaluated: 2024-01-05. Review status: criteria provided, single submitter. Criteria: Ambry Variant Classification Scheme 2023. Collection method: clinical testing. Allele origin: germline.
Comment: The c.2760T>G (p.F920L) alteration is located in exon 13 (coding exon 13) of the CHD8 gene. This alteration results from a T to G substitution at nucleotide position 2760, causing the phenylalanine (F) at amino acid position 920 to be replaced by a leucine (L). This variant was not reported in population-based cohorts in the Genome Aggregation Database (gnomAD). This amino acid position is highly conserved in available vertebrate species. This missense alteration is located in a region that has a low rate of benign missense variation (Lek, 2016; Firth, 2009). This alteration is predicted to be deleterious by in silico analysis. Based on insufficient or conflicting evidence, the clinical significance of this alteration remains unclear.